The following is an entry in ClinVar:

NM_012073.5(CCT5):c.994-4T>G

Gene: CCT5 (chaperonin containing TCP1 subunit 5; plus strand). Cytogenetic location: 5p15.2.
Variant type: single nucleotide variant.
Coding change: c.994-4T>G on transcript NM_012073.5 (MANE Select); 4 bases into the intron before coding-DNA position 994, T replaced by G.
Molecular consequence: intron variant.
Genome position (GRCh38, 1-based): chr5:10,261,556, T>G. VCF-style: chr5-10261556-T-G. GRCh37 (hg19) VCF-style: chr5-10261668-T-G.
Other names: c.931-4T>G (NM_001306153.1); c.829-4T>G (NM_001306154.2); c.880-4T>G (NM_001306156.2); c.715-4T>G (NM_001306155.2).
Identifiers: ClinVar variation 3620016 (VCV003620016.2).

ClinVar aggregate classification (germline): Uncertain significance (1 of 4 stars; one submission).

Conditions:
Hereditary sensory and autonomic neuropathy with spastic paraplegia (HSNSP). Identifiers: Orphanet 139578, MedGen C1850395, MONDO:0009748, OMIM 256840.

Submission:

Labcorp Genetics (formerly Invitae), Labcorp
Classification: Uncertain significance for Hereditary sensory and autonomic neuropathy with spastic paraplegia. Last evaluated: 2024-07-04. Review status: criteria provided, single submitter. Criteria: Invitae Variant Classification Sherloc (09022015). Collection method: clinical testing. Allele origin: germline.
Comment: This sequence change falls in intron 7 of the CCT5 gene. It does not directly change the encoded amino acid sequence of the CCT5 protein. This variant is present in population databases (rs772601071, gnomAD 0.007%). This variant has not been reported in the literature in individuals affected with CCT5-related conditions. Algorithms developed to predict the effect of sequence changes on RNA splicing suggest that this variant may disrupt the consensus splice site. In summary, the available evidence is currently insufficient to determine the role of this variant in disease. Therefore, it has been classified as a Variant of Uncertain Significance.